The following is an entry in ClinVar:

ClinVar aggregate classification (germline): Conflicting classifications of pathogenicity. Review status: criteria provided, conflicting classifications (1 of 4 stars). 5 submissions from 5 submitters: Uncertain significance (3); Benign (1); Likely benign (1). Last evaluated 2026-01-25.

Conditions:
Cardiovascular phenotype. Identifiers: MedGen CN230736.
Dilated cardiomyopathy 1DD (CMD1DD). Identifiers: Orphanet 154, MedGen C2750995, MONDO:0013168, OMIM 613172.

Allele frequency attached by ClinVar (database versions not stated): gnomAD exomes 0.00001 and 0.00003; TOPMed 0.00005; gnomAD 0.00006 and 0.00007; 1000 Genomes Project 0.00060; 1000 Genomes Project 30x 0.00062.
gnomAD v4.1: 33 of 1,551,686 alleles (0.0021%); highest among the groups gnomAD compares: East Asian, 0.017%; no homozygotes.

Submissions (5):

Labcorp Genetics (formerly Invitae), Labcorp
Classification: Benign for Dilated cardiomyopathy 1DD. Last evaluated: 2026-01-25. Review status: criteria provided, single submitter. Criteria: Invitae Variant Classification Sherloc (09022015). Collection method: clinical testing. Allele origin: germline.

GeneDx
Classification: Uncertain significance. Last evaluated: 2025-08-05. Review status: criteria provided, single submitter. Criteria: GeneDx Variant Classification Process June 2021. Collection method: clinical testing. Allele origin: germline. Affected: yes.
Comment: Has not been previously published as pathogenic or benign to our knowledge; In silico analysis suggests that this missense variant does not alter protein structure/function

Ambry Genetics
Classification: Likely benign for Cardiovascular phenotype. Last evaluated: 2025-07-15. Review status: criteria provided, single submitter. Criteria: Ambry Variant Classification Scheme 2023. Collection method: clinical testing. Allele origin: germline.

Fulgent Genetics
Classification: Uncertain significance for Dilated cardiomyopathy 1DD. Last evaluated: 2021-07-27. Review status: criteria provided, single submitter. Criteria: ACMG Guidelines, 2015. Collection method: clinical testing. Allele origin: unknown.

Revvity Omics, Revvity
Classification: Uncertain significance for Dilated cardiomyopathy 1DD. Last evaluated: 2021-06-11. Review status: criteria provided, single submitter. Criteria: ACMG Guidelines, 2015. Collection method: clinical testing. Allele origin: germline.

NM_001134363.3(RBM20):c.3268A>T (p.Ile1090Phe)

Gene: RBM20 (RNA binding motif protein 20; plus strand). Cytogenetic location: 10q25.2.
Variant type: single nucleotide variant.
Coding change: c.3268A>T on transcript NM_001134363.3 (MANE Select); coding-DNA position 3268, A replaced by T.
Protein change: p.Ile1090Phe; replaces isoleucine 1090 with phenylalanine.
Molecular consequence: missense variant.
Genome position (GRCh38, 1-based): chr10:110,821,887, A>T. VCF-style: chr10-110821887-A-T. GRCh37 (hg19) VCF-style: chr10-112581645-A-T.
Other names: c.3268A>T (LRG_382t1); short protein forms I1090F.
Identifiers: ClinVar variation 238553 (VCV000238553.17), dbSNP rs371828469, ClinGen allele CA10582709.
Genomic context (GRCh38, chr10:110,821,887, plus strand): 5'-GGGACCCCCGAAGATGGGGCTTGTGAAGGCAGCCCCCTGGAGGAGAAAGCCAGCCCCCCC[A>T]TCGAAACTGACCTCCAAAACCAAGCTTGCCAAGAAGTGTTGACCCCGGGTAACTATCTCC-3'
Protein context (NP_001127835.2, residues 1080-1100): SPLEEKASPP[Ile1090Phe]ETDLQNQACQ